The following is an entry in ClinVar:

NM_002485.5(NBN):c.1958_1959delinsC (p.Lys653fs)

Gene: NBN (nibrin; minus strand). Cytogenetic location: 8q21.3.
Variant type: Indel.
Coding change: c.1958_1959delinsC on transcript NM_002485.5 (MANE Select); coding-DNA positions 1958 to 1959, AG replaced by C.
Protein change: p.Lys653fs; shifts the reading frame from lysine 653.
Molecular consequence: frameshift variant.
Genome position (GRCh38, 1-based): chr8:89,946,251-89,946,252, CT replaced by G on the plus strand (AG replaced by C on the coding strand, the reverse complement: NBN is on the minus strand). VCF-style: chr8-89946251-CT-G. GRCh37 (hg19) VCF-style: chr8-90958479-CT-G.
Other names: c.1712_1713delinsC, p.Lys571fs (NM_001024688.3); short protein forms K571fs, K653fs.
Identifiers: ClinVar variation 1783339 (VCV001783339.2), dbSNP rs2488202742, ClinGen allele CA2580079038.

ClinVar aggregate classification (germline): Pathogenic (1 of 4 stars; one submission).

Conditions:
Hereditary cancer-predisposing syndrome. Also called: Neoplastic Syndromes, Hereditary; Tumor predisposition; Hereditary Cancer Syndrome; Hereditary neoplastic syndrome. Identifiers: Orphanet 140162, MedGen C0027672, MeSH D009386, MONDO:0015356.

Submission:

Ambry Genetics
Classification: Pathogenic for Hereditary cancer-predisposing syndrome. Last evaluated: 2021-05-17. Review status: criteria provided, single submitter. Criteria: Ambry Variant Classification Scheme 2023. Collection method: clinical testing. Allele origin: germline.
Comment: The c.1958_1959delAGinsC pathogenic mutation, located in coding exon 13 of the NBN gene, results from the deletion of two nucleotides and insertion of one nucleotide causing a translational frameshift with a predicted alternate stop codon (p.K653Tfs*4). This alteration is expected to result in loss of function by premature protein truncation or nonsense-mediated mRNA decay. As such, this alteration is interpreted as a disease-causing mutation.